The following is an entry in ClinVar:

NM_005529.7(HSPG2):c.47A>C (p.His16Pro)

Gene: HSPG2 (heparan sulfate proteoglycan 2; minus strand). Cytogenetic location: 1p36.12.
Variant type: single nucleotide variant.
Coding change: c.47A>C on transcript NM_005529.7 (MANE Select); coding-DNA position 47, A replaced by C.
Protein change: p.His16Pro; replaces histidine 16 with proline.
Molecular consequence: missense variant.
Genome position (GRCh38, 1-based): chr1:21,937,171, T>G on the plus strand (A>C on the coding strand, the complement: HSPG2 is on the minus strand). VCF-style: chr1-21937171-T-G. GRCh37 (hg19) VCF-style: chr1-22263664-T-G.
Other names: c.47A>C, p.His16Pro (NM_001291860.2); short protein forms H16P.
Identifiers: ClinVar variation 1397441 (VCV001397441.8), dbSNP rs1644512300, ClinGen allele CA338909957.

ClinVar aggregate classification (germline): Uncertain significance (1 of 4 stars; one submission).

Submission:

Labcorp Genetics (formerly Invitae), Labcorp
Classification: Uncertain significance. Last evaluated: 2024-05-22. Review status: criteria provided, single submitter. Criteria: Invitae Variant Classification Sherloc (09022015). Collection method: clinical testing. Allele origin: germline.
Comment: This sequence change replaces histidine, which is basic and polar, with proline, which is neutral and non-polar, at codon 16 of the HSPG2 protein (p.His16Pro). This variant is not present in population databases (gnomAD no frequency). This variant has not been reported in the literature in individuals affected with HSPG2-related conditions. ClinVar contains an entry for this variant (Variation ID: 1397441). An algorithm developed to predict the effect of missense changes on protein structure and function (PolyPhen-2) suggests that this variant is likely to be tolerated. In summary, the available evidence is currently insufficient to determine the role of this variant in disease. Therefore, it has been classified as a Variant of Uncertain Significance.